The following is an entry in ClinVar:

NM_002439.5(MSH3):c.3303A>G (p.Arg1101=)

Gene: MSH3 (mutS homolog 3; plus strand). Cytogenetic location: 5q14.1.
Variant type: single nucleotide variant.
Coding change: c.3303A>G on transcript NM_002439.5 (MANE Select); coding-DNA position 3303, A replaced by G.
Protein change: p.Arg1101=; no amino-acid change (arginine 1101 retained).
Molecular consequence: synonymous variant.
Genome position (GRCh38, 1-based): chr5:80,875,751, A>G. VCF-style: chr5-80875751-A-G. GRCh37 (hg19) VCF-style: chr5-80171570-A-G.
Other names: c.3303A>G (NM_002439.3).
Identifiers: ClinVar variation 1412708 (VCV001412708.6), dbSNP rs1746297425, ClinGen allele CA445226231.

ClinVar aggregate classification (germline): Conflicting classifications of pathogenicity. Review status: criteria provided, conflicting classifications (1 of 4 stars). 2 submissions from 2 submitters: Uncertain significance (1); Likely benign (1). Last evaluated 2024-04-20.

Conditions:
Hereditary cancer-predisposing syndrome. Also called: Hereditary Cancer Syndrome; Tumor predisposition; Hereditary neoplastic syndrome; Neoplastic Syndromes, Hereditary. Identifiers: Orphanet 140162, MedGen C0027672, MeSH D009386, MONDO:0015356.

Allele frequency attached by ClinVar (database versions not stated): gnomAD 0.00001.

Submissions (2):

Ambry Genetics
Classification: Likely benign for Hereditary cancer-predisposing syndrome. Last evaluated: 2024-04-20. Review status: criteria provided, single submitter. Criteria: Ambry Variant Classification Scheme 2023. Collection method: clinical testing. Allele origin: germline.

Labcorp Genetics (formerly Invitae), Labcorp
Classification: Uncertain significance. Last evaluated: 2022-09-06. Review status: criteria provided, single submitter. Criteria: Invitae Variant Classification Sherloc (09022015). Collection method: clinical testing. Allele origin: germline.
Comment: This sequence change affects codon 1101 of the MSH3 mRNA. It is a 'silent' change, meaning that it does not change the encoded amino acid sequence of the MSH3 protein. It affects a nucleotide within the consensus splice site. This variant is not present in population databases (gnomAD no frequency). This variant has not been reported in the literature in individuals affected with MSH3-related conditions. ClinVar contains an entry for this variant (Variation ID: 1412708). Algorithms developed to predict the effect of sequence changes on RNA splicing suggest that this variant is not likely to affect RNA splicing. In summary, the available evidence is currently insufficient to determine the role of this variant in disease. Therefore, it has been classified as a Variant of Uncertain Significance.